The following is an entry in ClinVar:

ClinVar aggregate classification (germline): Uncertain significance (1 of 4 stars; one submission).

Submission:

GeneDx
Classification: Uncertain significance. Last evaluated: 2024-08-02. Review status: criteria provided, single submitter. Criteria: GeneDx Variant Classification Process June 2021. Collection method: clinical testing. Allele origin: germline. Affected: yes.
Comment: Not observed at significant frequency in large population cohorts (gnomAD); In silico analysis supports that this missense variant has a deleterious effect on protein structure/function; Has not been previously published as pathogenic or benign to our knowledge

NM_001001557.4(GDF6):c.1234C>A (p.Pro412Thr)

Gene: GDF6 (growth differentiation factor 6; minus strand). Cytogenetic location: 8q22.1.
Variant type: single nucleotide variant.
Coding change: c.1234C>A on transcript NM_001001557.4 (MANE Select); coding-DNA position 1234, C replaced by A.
Protein change: p.Pro412Thr; replaces proline 412 with threonine.
Molecular consequence: missense variant.
Genome position (GRCh38, 1-based): chr8:96,144,697, G>T on the plus strand (C>A on the coding strand, the complement: GDF6 is on the minus strand). VCF-style: chr8-96144697-G-T. GRCh37 (hg19) VCF-style: chr8-97156925-G-T.
Other names: short protein forms P412T.
Identifiers: ClinVar variation 3602349 (VCV003602349.1).